The following is an entry in ClinVar:

ClinVar aggregate classification (germline): Pathogenic (1 of 4 stars; one submission).

Conditions:
Glycogen storage disease type III (GSD3). Also called: Cori disease; FORBES DISEASE. Identifiers: Orphanet 366, MedGen C0017922, MONDO:0009291, OMIM 232400.

Submission:

Labcorp Genetics (formerly Invitae), Labcorp
Classification: Pathogenic for Glycogen storage disease type III. Last evaluated: 2020-03-10. Review status: criteria provided, single submitter. Criteria: Invitae Variant Classification Sherloc (09022015). Collection method: clinical testing. Allele origin: germline.
Comment: For these reasons, this variant has been classified as Pathogenic. Loss-of-function variants in AGL are known to be pathogenic (PMID: 19299494). This variant has not been reported in the literature in individuals with AGL-related conditions. This variant is not present in population databases (ExAC no frequency). This sequence change creates a premature translational stop signal (p.Arg323Alafs*6) in the AGL gene. It is expected to result in an absent or disrupted protein product.

Literature cited by the submitters: PubMed 19299494.

NM_000642.3(AGL):c.966dup (p.Arg323fs)

Gene: AGL (amylo-alpha-1,6-glucosidase and 4-alpha-glucanotransferase; plus strand). Cytogenetic location: 1p21.2.
Variant type: Duplication.
Coding change: c.966dup on transcript NM_000642.3 (MANE Select); coding-DNA position 966, one base duplicated (G; older notation c.966dupG).
Protein change: p.Arg323fs; shifts the reading frame from arginine 323.
Molecular consequence: frameshift variant.
Genome position (GRCh38, 1-based): chr1:99,874,694, G duplicated; the last of 2 consecutive G bases (chr1:99,874,693-99,874,694); duplicating either gives the same sequence. VCF-style (leftmost placement, unchanged base first): chr1-99874692-A-AG. GRCh37 (hg19) VCF-style: chr1-100340248-A-AG.
Other names: c.966dup, p.Arg323Alafs (NM_000028.3, NM_000643.3, NM_000644.3 and 3 more transcripts); c.918dup, p.Arg307Alafs (NM_000646.3); c.762dup, p.Arg255Alafs (NM_001425328.1, NM_001425329.1); c.588dup, p.Arg197Alafs (NM_001425332.1); short protein forms R307fs, R323fs.
Identifiers: ClinVar variation 1071920 (VCV001071920.7), dbSNP rs35856689, ClinGen allele CA27573078.